The following is an entry in ClinVar:

NM_017934.7(PHIP):c.2836A>G (p.Ile946Val)

Genes: IRAK1BP1 (interleukin 1 receptor associated kinase 1 binding protein 1; plus strand), PHIP (PHIP subunit of CUL4-Ring ligase complex; minus strand). Cytogenetic location: 6q14.1.
Variant type: single nucleotide variant.
Coding change: c.2836A>G on transcript NM_017934.7 (MANE Select); coding-DNA position 2836, A replaced by G.
Protein change: p.Ile946Val; replaces isoleucine 946 with valine.
Molecular consequence: missense variant.
Genome position (GRCh38, 1-based): chr6:78,978,645, T>C on the plus strand (A>G on the coding strand, the complement: PHIP is on the minus strand). VCF-style: chr6-78978645-T-C. GRCh37 (hg19) VCF-style: chr6-79688362-T-C.
Other names: c.2836A>G (NM_017934.5); short protein forms I946V.
Identifiers: ClinVar variation 2097703 (VCV002097703.5), dbSNP rs2481938408, ClinGen allele CA364648662.

ClinVar aggregate classification (germline): Uncertain significance. Review status: criteria provided, multiple submitters, no conflicts (2 of 4 stars). 2 submissions from 2 submitters: Uncertain significance (2). Last evaluated 2024-12-12.

Allele frequency attached by ClinVar (database versions not stated): gnomAD exomes below 0.00001.
gnomAD v4.1: 2 of 1,597,990 alleles (0.00013%); highest among the groups gnomAD compares: Non-Finnish European, 0.00017%; no homozygotes.

Submissions (2):

GeneDx
Classification: Uncertain significance. Last evaluated: 2024-12-12. Review status: criteria provided, single submitter. Criteria: GeneDx Variant Classification Process June 2021. Collection method: clinical testing. Allele origin: germline. Affected: yes.
Comment: Not observed at significant frequency in large population cohorts (gnomAD); In silico analysis indicates that this missense variant does not alter protein structure/function; Has not been previously published as pathogenic or benign to our knowledge

Labcorp Genetics (formerly Invitae), Labcorp
Classification: Uncertain significance. Last evaluated: 2022-08-07. Review status: criteria provided, single submitter. Criteria: Invitae Variant Classification Sherloc (09022015). Collection method: clinical testing. Allele origin: germline.
Comment: In summary, the available evidence is currently insufficient to determine the role of this variant in disease. Therefore, it has been classified as a Variant of Uncertain Significance. Algorithms developed to predict the effect of sequence changes on RNA splicing suggest that this variant may disrupt the consensus splice site. Experimental studies and prediction algorithms are not available or were not evaluated, and the functional significance of this variant is currently unknown. This variant has not been reported in the literature in individuals affected with PHIP-related conditions. This variant is not present in population databases (gnomAD no frequency). This sequence change replaces isoleucine, which is neutral and non-polar, with valine, which is neutral and non-polar, at codon 946 of the PHIP protein (p.Ile946Val).